The following is an entry in ClinVar:

ClinVar aggregate classification (germline): Uncertain significance (1 of 4 stars; one submission).

Conditions:
Primary dilated cardiomyopathy (DCM). Also called: Dilated Cardiomyopathy. Identifiers: Orphanet 217604, MedGen C0007193, MeSH D002311, MONDO:0005021, HP:0001644. Inheritance: Various modes of inheritance.

Allele frequency attached by ClinVar (database versions not stated): gnomAD exomes below 0.00001.
gnomAD v4.1: 2 of 1,613,582 alleles (0.00012%); highest among the groups gnomAD compares: East Asian, 0.0022%; no homozygotes.

Submission:

Labcorp Genetics (formerly Invitae), Labcorp
Classification: Uncertain significance for Primary dilated cardiomyopathy. Last evaluated: 2022-01-03. Review status: criteria provided, single submitter. Criteria: Invitae Variant Classification Sherloc (09022015). Collection method: clinical testing. Allele origin: germline.
Comment: In summary, the available evidence is currently insufficient to determine the role of this variant in disease. Therefore, it has been classified as a Variant of Uncertain Significance. Algorithms developed to predict the effect of missense changes on protein structure and function are either unavailable or do not agree on the potential impact of this missense change (SIFT: "Deleterious"; PolyPhen-2: "Possibly Damaging"; Align-GVGD: "Class C0"). This variant has not been reported in the literature in individuals affected with NEBL-related conditions. This variant is not present in population databases (gnomAD no frequency). This sequence change replaces glycine, which is neutral and non-polar, with cysteine, which is neutral and slightly polar, at codon 892 of the NEBL protein (p.Gly892Cys).

NM_006393.3(NEBL):c.2674G>T (p.Gly892Cys)

Gene: NEBL (nebulette; minus strand). Cytogenetic location: 10p12.31.
Variant type: single nucleotide variant.
Coding change: c.2674G>T on transcript NM_006393.3 (MANE Select); coding-DNA position 2674, G replaced by T.
Protein change: p.Gly892Cys; replaces glycine 892 with cysteine.
Molecular consequence: missense variant. On other transcripts: intron variant (9).
Genome position (GRCh38, 1-based): chr10:20,808,597, C>A on the plus strand (G>T on the coding strand, the complement: NEBL is on the minus strand). VCF-style: chr10-20808597-C-A. GRCh37 (hg19) VCF-style: chr10-21097526-C-A.
Other names: c.421+4172G>T (NM_001377326.1, NM_001377327.1, NM_001377328.1); c.529+4172G>T (NM_213569.2, NM_001173484.2); c.622+1209G>T (NM_001377322.1); c.472+4172G>T (NM_001377324.1); c.463+4172G>T (NM_001377325.1); c.481+4172G>T (NM_001377323.1); short protein forms G892C.
Identifiers: ClinVar variation 2071954 (VCV002071954.4), dbSNP rs2491561259, ClinGen allele CA376092814.